The following is an entry in ClinVar:

NM_001127222.2(CACNA1A):c.6303+5G>A

Gene: CACNA1A (calcium voltage-gated channel subunit alpha1 A; minus strand). Cytogenetic location: 19p13.13.
Variant type: single nucleotide variant.
Coding change: c.6303+5G>A on transcript NM_001127222.2 (MANE Select); 5 bases into the intron after coding-DNA position 6303, G replaced by A.
Molecular consequence: intron variant.
Genome position (GRCh38, 1-based): chr19:13,212,098, C>T on the plus strand (G>A on the coding strand, the complement: CACNA1A is on the minus strand). VCF-style: chr19-13212098-C-T. GRCh37 (hg19) VCF-style: chr19-13322912-C-T.
Other names: c.6306+5G>A (NM_001127221.2); c.6312+5G>A (NM_001174080.2); c.6321+5G>A (NM_000068.4, NM_023035.3).
Identifiers: ClinVar variation 2948559 (VCV002948559.3), dbSNP rs2512533689, ClinGen allele CA2576641662.

ClinVar aggregate classification (germline): Uncertain significance (1 of 4 stars; one submission).

Conditions:
Episodic ataxia type 2 (EA2). Also called: CEREBELLAR ATAXIA, PAROXYSMAL, ACETAZOLAMIDE-RESPONSIVE; CEREBELLOPATHY, HEREDITARY PAROXYSMAL; EPISODIC ATAXIA, NYSTAGMUS-ASSOCIATED; ACETAZOLAMIDE-RESPONSIVE HEREDITARY PAROXYSMAL CEREBELLAR ATAXIA; ATAXIA, EPISODIC, WITH NYSTAGMUS; ATAXIA, FAMILIAL PAROXYSMAL. Identifiers: Orphanet 97, MedGen C1720416, MONDO:0007163, OMIM 108500.
Developmental and epileptic encephalopathy, 42 (DEE42A). Also called: Epileptic encephalopathy, early infantile, 42; DEVELOPMENTAL AND EPILEPTIC ENCEPHALOPATHY 42A; EPILEPTIC ENCEPHALOPATHY, EARLY INFANTILE, 42A. Identifiers: MedGen C4310716, MONDO:0014917, OMIM 617106.

Submission:

Labcorp Genetics (formerly Invitae), Labcorp
Classification: Uncertain significance for Developmental and epileptic encephalopathy, 42; Episodic ataxia type 2. Last evaluated: 2024-12-08. Review status: criteria provided, single submitter. Criteria: Invitae Variant Classification Sherloc (09022015). Collection method: clinical testing. Allele origin: germline.
Comment: This sequence change falls in intron 43 of the CACNA1A gene. It does not directly change the encoded amino acid sequence of the CACNA1A protein. It affects a nucleotide within the consensus splice site. This variant is not present in population databases (gnomAD no frequency). This variant has not been reported in the literature in individuals affected with CACNA1A-related conditions. ClinVar contains an entry for this variant (Variation ID: 2948559). Variants that disrupt the consensus splice site are a relatively common cause of aberrant splicing (PMID: 17576681, 9536098). Algorithms developed to predict the effect of sequence changes on RNA splicing suggest that this variant is not likely to affect RNA splicing. In summary, the available evidence is currently insufficient to determine the role of this variant in disease. Therefore, it has been classified as a Variant of Uncertain Significance.

Literature cited by the submitters: PubMed 17576681; PubMed 9536098.